The following is an entry in ClinVar:

NM_000059.4(BRCA2):c.214A>T (p.Asn72Tyr)

Gene: BRCA2 (BRCA2 DNA repair associated; plus strand). Cytogenetic location: 13q13.1.
Variant type: single nucleotide variant.
Coding change: c.214A>T on transcript NM_000059.4 (MANE Select); coding-DNA position 214, A replaced by T.
Protein change: p.Asn72Tyr; replaces asparagine 72 with tyrosine.
Molecular consequence: missense variant.
Genome position (GRCh38, 1-based): chr13:32,319,223, A>T. VCF-style: chr13-32319223-A-T. GRCh37 (hg19) VCF-style: chr13-32893360-A-T.
Other names: short protein forms N72Y.
Identifiers: ClinVar variation 483011 (VCV000483011.12), dbSNP rs1555280382, ClinGen allele CA387754439.

ClinVar aggregate classification (germline): Uncertain significance. Review status: criteria provided, multiple submitters, no conflicts (2 of 4 stars). 2 submissions from 2 submitters: Uncertain significance (2). Last evaluated 2025-10-23.

Conditions:
Hereditary cancer-predisposing syndrome. Also called: Neoplastic Syndromes, Hereditary; Tumor predisposition; Hereditary Cancer Syndrome; Hereditary neoplastic syndrome. Identifiers: Orphanet 140162, MedGen C0027672, MeSH D009386, MONDO:0015356.
Hereditary breast ovarian cancer syndrome. Also called: Hereditary breast and ovarian cancer syndrome; Hereditary breast and ovarian cancer; Hereditary breast and ovarian cancer syndrome (HBOC); Breast and ovarian cancer; Hereditary breast and/or ovarian cancer syndrome; BRCA1- and BRCA2-Associated Hereditary Breast and Ovarian Cancer. Identifiers: Orphanet 145, MedGen C0677776, MeSH D061325, MONDO:0003582. Disease mechanism: loss of function.

Submissions (2):

Labcorp Genetics (formerly Invitae), Labcorp
Classification: Uncertain significance for Hereditary breast ovarian cancer syndrome. Last evaluated: 2025-10-23. Review status: criteria provided, single submitter. Criteria: Invitae Variant Classification Sherloc (09022015). Collection method: clinical testing. Allele origin: germline.
Comment: This sequence change replaces asparagine, which is neutral and polar, with tyrosine, which is neutral and polar, at codon 72 of the BRCA2 protein (p.Asn72Tyr). This variant is not present in population databases (gnomAD no frequency). This variant has not been reported in the literature in individuals affected with BRCA2-related conditions. ClinVar contains an entry for this variant (Variation ID: 483011). Invitae Evidence Modeling of protein sequence and biophysical properties (such as structural, functional, and spatial information, amino acid conservation, physicochemical variation, residue mobility, and thermodynamic stability) indicates that this missense variant is not expected to disrupt BRCA2 protein function with a negative predictive value of 95%. In summary, the available evidence is currently insufficient to determine the role of this variant in disease. Therefore, it has been classified as a Variant of Uncertain Significance.

Ambry Genetics
Classification: Uncertain significance for Hereditary cancer-predisposing syndrome. Last evaluated: 2025-05-08. Review status: criteria provided, single submitter. Criteria: Ambry Variant Classification Scheme 2023. Collection method: clinical testing. Allele origin: germline.
Comment: The p.N72Y variant (also known as c.214A>T), located in coding exon 2 of the BRCA2 gene, results from an A to T substitution at nucleotide position 214. The asparagine at codon 72 is replaced by tyrosine, an amino acid with dissimilar properties. This variant was not reported in population based cohorts in the following databases: Database of Single Nucleotide Polymorphisms (dbSNP), NHLBI Exome Sequencing Project (ESP), and 1000 Genomes Project. In the ESP, this variant was not observed in 6503 samples (13006 alleles) with coverage at this position. To date, this alteration has been detected with an allele frequency of approximately 0.0004% (greater than 225000 alleles tested) in our clinical cohort. This amino acid position is poorly conserved in available vertebrate species. In addition, this alteration is predicted to be tolerated by in silico analysis. Since supporting evidence is limited at this time, the clinical significance of this alteration remains unclear.